The following is an entry in ClinVar:

NM_001077418.3(TMEM231):c.279A>C (p.Gln93His)

Gene: TMEM231 (transmembrane protein 231; minus strand). Cytogenetic location: 16q23.1.
Variant type: single nucleotide variant.
Coding change: c.279A>C on transcript NM_001077418.3 (MANE Select); coding-DNA position 279, A replaced by C.
Protein change: p.Gln93His; replaces glutamine 93 with histidine.
Molecular consequence: missense variant. On other transcripts: non-coding transcript variant (1).
Genome position (GRCh38, 1-based): chr16:75,555,834, T>G on the plus strand (A>C on the coding strand, the complement: TMEM231 is on the minus strand). VCF-style: chr16-75555834-T-G. GRCh37 (hg19) VCF-style: chr16-75589732-T-G.
Other names: c.438A>C, p.Gln146His (NM_001077416.2); short protein forms Q146H, Q93H.
Identifiers: ClinVar variation 2126949 (VCV002126949.4), dbSNP rs2507347115, ClinGen allele CA396808923.

ClinVar aggregate classification (germline): Uncertain significance (1 of 4 stars; one submission).

Conditions:
Joubert syndrome 20 (JBTS20). Identifiers: Orphanet 475, MedGen C3554235, MONDO:0013994, OMIM 614970.
Meckel syndrome, type 11 (MKS11). Identifiers: Orphanet 564, MedGen C3809352, MONDO:0014164, OMIM 615397.

Allele frequency attached by ClinVar (database versions not stated): gnomAD exomes below 0.00001.
gnomAD v4.1: 1 of 1,573,786 alleles (0.000064%); highest among the groups gnomAD compares: Non-Finnish European, 0.000086%; no homozygotes.

Submission:

Labcorp Genetics (formerly Invitae), Labcorp
Classification: Uncertain significance for Joubert syndrome 20; Meckel syndrome, type 11. Last evaluated: 2023-08-17. Review status: criteria provided, single submitter. Criteria: Invitae Variant Classification Sherloc (09022015). Collection method: clinical testing. Allele origin: germline.
Comment: In summary, the available evidence is currently insufficient to determine the role of this variant in disease. Therefore, it has been classified as a Variant of Uncertain Significance. This sequence change replaces glutamine, which is neutral and polar, with histidine, which is basic and polar, at codon 146 of the TMEM231 protein (p.Gln146His). This variant is not present in population databases (gnomAD no frequency). This variant has not been reported in the literature in individuals affected with TMEM231-related conditions. ClinVar contains an entry for this variant (Variation ID: 2126949). Experimental studies and prediction algorithms are not available or were not evaluated, and the functional significance of this variant is currently unknown.